The following is an entry in ClinVar:

NM_000426.4(LAMA2):c.5072-3C>A

Gene: LAMA2 (laminin subunit alpha 2; plus strand). Cytogenetic location: 6q22.33.
Variant type: single nucleotide variant.
Coding change: c.5072-3C>A on transcript NM_000426.4 (MANE Select); 3 bases into the intron before coding-DNA position 5072, C replaced by A.
Molecular consequence: intron variant.
Genome position (GRCh38, 1-based): chr6:129,391,488, C>A. VCF-style: chr6-129391488-C-A. GRCh37 (hg19) VCF-style: chr6-129712633-C-A.
Other names: c.5072-3C>A (NM_001079823.2).
Identifiers: ClinVar variation 355275 (VCV000355275.9), dbSNP rs759155854, ClinGen allele CA3993775.

ClinVar aggregate classification (germline): Uncertain significance. Review status: criteria provided, multiple submitters, no conflicts (2 of 4 stars). 4 submissions from 4 submitters: Uncertain significance (3). 1 of the submissions does not count toward it. Last evaluated 2023-12-26.

Conditions:
Congenital muscular dystrophy due to partial LAMA2 deficiency. Identifiers: MedGen C1842898.
Merosin deficient congenital muscular dystrophy (MDC1A). Also called: Congenital merosin-deficient muscular dystrophy 1A; Congenital Muscular Dystrophy Type 1A (MDC1A). Identifiers: Orphanet 258, MedGen C1263858, MONDO:0011925, OMIM 607855.
LAMA2-related muscular dystrophy (LAMA2-RD). Also called: Laminin alpha 2-related dystrophy. Identifiers: MedGen C5679788, MONDO:0100228.
Muscular dystrophy, limb-girdle, autosomal recessive 23. Identifiers: Orphanet 565837, MedGen C4748327, MONDO:0029136, OMIM 618138.

Allele frequency attached by ClinVar (database versions not stated): ExAC 0.00001; gnomAD exomes 0.00001; TOPMed 0.00001.
gnomAD v4.1: 4 of 1,612,564 alleles (0.00025%); highest among the groups gnomAD compares: Admixed American, 0.0033%; no homozygotes.

Submissions (4):

Intergen Genetics and Rare Diseases Diagnosis Center
Classification: Uncertain significance for Muscular dystrophy, limb-girdle, autosomal recessive 23. Last evaluated: 2023-12-26. Review status: criteria provided, single submitter. Criteria: ACMG Guidelines, 2015. Collection method: clinical testing. Allele origin: germline. Inheritance: Autosomal recessive inheritance. Affected: no. Observed: 1 heterozygote.

Labcorp Genetics (formerly Invitae), Labcorp
Classification: Uncertain significance for LAMA2-related muscular dystrophy. Last evaluated: 2022-10-28. Review status: criteria provided, single submitter. Criteria: Invitae Variant Classification Sherloc (09022015). Collection method: clinical testing. Allele origin: germline.
Comment: This sequence change falls in intron 35 of the LAMA2 gene. It does not directly change the encoded amino acid sequence of the LAMA2 protein. It affects a nucleotide within the consensus splice site. This variant is present in population databases (rs759155854, gnomAD 0.006%). This variant has been observed in individual(s) with limb-girdle muscular dystrophy (Invitae). ClinVar contains an entry for this variant (Variation ID: 355275). Variants that disrupt the consensus splice site are a relatively common cause of aberrant splicing (PMID: 17576681, 9536098). Algorithms developed to predict the effect of sequence changes on RNA splicing suggest that this variant may create or strengthen a splice site. In summary, the available evidence is currently insufficient to determine the role of this variant in disease. Therefore, it has been classified as a Variant of Uncertain Significance.

Illumina Laboratory Services, Illumina
Classification: Uncertain significance for Congenital muscular dystrophy due to partial LAMA2 deficiency. Last evaluated: 2018-01-13. Review status: criteria provided, single submitter. Criteria: ICSL Variant Classification Criteria 13 December 2019. Collection method: clinical testing. Allele origin: germline.

Counsyl
Classification: Uncertain significance for Merosin deficient congenital muscular dystrophy. Last evaluated: 2018-05-08. Review status: no assertion criteria provided. Collection method: clinical testing. Allele origin: unknown. Not counted in ClinVar's aggregate classification.

Literature cited by the submitters: PubMed 17576681 (cited by Labcorp Genetics (formerly Invitae), Labcorp); PubMed 9536098 (cited by Labcorp Genetics (formerly Invitae), Labcorp).